The following is an entry in ClinVar:

ClinVar aggregate classification (germline): Pathogenic. Review status: criteria provided, multiple submitters, no conflicts (2 of 4 stars). 17 submissions from 16 submitters: Pathogenic (14). 3 of the submissions do not count toward it. Last evaluated 2026-07-16.

Conditions:
Skeletal muscle channelopathy.
Congenital myopathy 22A, classic (CMYO22A). Identifiers: MedGen C5830453, MONDO:0957247, OMIM 620351.
Hyperkalemic periodic paralysis. Also called: Familial hyperkalemic periodic paralysis; Gamstorp disease. Identifiers: Orphanet 682, MedGen C0238357, MONDO:0008224, OMIM 170500, HP:0007215.
Hypokalemic periodic paralysis, type 2 (HOKPP2). Identifiers: Orphanet 681, MedGen C2750061, MONDO:0013234, OMIM 613345.
Potassium-aggravated myotonia. Also called: Myotonia congenita, atypical, acetazolamide-responsive; MYOTONIA CONGENITA, ACETAZOLAMIDE-RESPONSIVE; MYOTONIA CONGENITA, ATYPICAL; SODIUM CHANNEL MUSCLE DISEASE. Identifiers: Orphanet 612, Orphanet 99734, Orphanet 99735, Orphanet 99736, MedGen C2931826, MONDO:0018959, OMIM 608390.
Paramyotonia congenita of Von Eulenburg. Also called: Eulenburg disease; Myotonia congenita intermittens; Von Eulenburg paramyotonia congenita; Paramyotonia Congenita; PARALYSIS PERIODICA PARAMYOTONICA. Identifiers: Orphanet 684, MedGen C0221055, MONDO:0008195, OMIM 168300. Disease mechanism: loss of function.
Congenital myopathy 22B, severe fetal (CMYO22B). Identifiers: MedGen C5830501, MONDO:0957265, OMIM 620369.
Congenital myasthenic syndrome 16. Identifiers: Orphanet 590, MedGen C3280112, MONDO:0013620, OMIM 614198.
SCN4A-related non-dystrophic myotonia.
SCN4A-related disorder. Also called: SCN4A-related disorders.

Allele frequency attached by ClinVar (database versions not stated): TOPMed below 0.00001.

Submissions 1 to 13 of 17:

Genetics Laboratory, Great Ormond Street Hospital NHS Foundation Trust, North Thames Genomic Laboratory Hub
Classification: Pathogenic for Skeletal muscle channelopathy. Last evaluated: 2026-07-16. Review status: criteria provided, single submitter. Criteria: ACGS Best Practice Guidelines for Variant Classification in Rare Disease 2024 v1.2. Collection method: clinical testing. Allele origin: germline. Affected: yes.
Comment: PS4_moderate, PP3_supporting, PM5_moderate, PS3_strong, PM1_moderate, PP1_strong

Labcorp Genetics (formerly Invitae), Labcorp
Classification: Pathogenic for Hyperkalemic periodic paralysis. Last evaluated: 2026-01-25. Review status: criteria provided, single submitter. Criteria: Invitae Variant Classification Sherloc (09022015). Collection method: clinical testing. Allele origin: germline.
Comment: This sequence change replaces glycine, which is neutral and non-polar, with valine, which is neutral and non-polar, at codon 1306 of the SCN4A protein (p.Gly1306Val). This variant is present in population databases (rs80338792, gnomAD 0.0009%). This missense change has been observed in individuals with paramyotonia congenita (PMID: 1310898, 8044656, 8308722, 17823953, 18337100, 18337730, 20445432, 22094069, 27415035). It has also been observed to segregate with disease in related individuals. ClinVar contains an entry for this variant (Variation ID: 5903). Invitae Evidence Modeling of protein sequence and biophysical properties (such as structural, functional, and spatial information, amino acid conservation, physicochemical variation, residue mobility, and thermodynamic stability) indicates that this missense variant is expected to disrupt SCN4A protein function with a positive predictive value of 95%. Experimental studies have shown that this missense change affects SCN4A function (PMID: 7473241, 16392038). This variant disrupts the p.Gly1306 amino acid residue in SCN4A. Other variant(s) that disrupt this residue have been determined to be pathogenic (PMID: 7980103, 16832098, 20713951, 25088311, 25311598, 26080010, 26885337, 26944947). This suggests that this residue is clinically significant, and that variants that disrupt this residue are likely to be disease-causing. For these reasons, this variant has been classified as Pathogenic.

Institute of Medical Genetics and Applied Genomics, University Hospital Tübingen
Classification: Pathogenic for Paramyotonia congenita of Von Eulenburg. Last evaluated: 2024-12-20. Review status: criteria provided, single submitter. Criteria: ACMG Guidelines, 2015. Collection method: clinical testing. Allele origin: germline. Inheritance: Autosomal dominant inheritance. Affected: yes.

3billion
Classification: Pathogenic for SCN4A-related disorder. Last evaluated: 2024-11-26. Review status: criteria provided, single submitter. Criteria: ACMG Guidelines, 2015. Collection method: clinical testing. Allele origin: germline. Affected: yes.
Comment: The variant is observed at an extremely low frequency in the gnomAD v4.1.0 dataset (total allele frequency: <0.001%). Predicted Consequence/Location: Missense variant In silico tool predictions suggest damaging effect of the variant on gene or gene product [REVEL: 0.92 (>=0.6, sensitivity 0.68 and specificity 0.92); 3Cnet: 0.95 (>=0.6, sensitivity 0.72 and precision 0.9)]. The same nucleotide change resulting in the same amino acid change has been previously reported as pathogenic/likely pathogenic with strong evidence (ClinVar ID: VCV000005903 /PMID: 1310898 /3billion dataset). The variant has been reported to co-segregate with the disease in at least 3 similarly affected relatives/individuals in the same family or similarly affected unrelated families (PMID: 27415035). Different missense changes at the same codon (p.Gly1306Ala, p.Gly1306Glu) have been reported as pathogenic/likely pathogenic with strong evidence (ClinVar ID: VCV000005908, VCV000005920 /PMID: 8308722 /3billion dataset). Therefore, this variant is classified as Pathogenic according to the recommendation of ACMG/AMP guideline.

Revvity Omics, Revvity
Classification: Pathogenic. Last evaluated: 2024-06-25. Review status: criteria provided, single submitter. Criteria: ACMG Guidelines, 2015. Collection method: clinical testing. Allele origin: germline.

Fulgent Genetics
Classification: Pathogenic for Paramyotonia congenita of Von Eulenburg; Hyperkalemic periodic paralysis; Potassium-aggravated myotonia; Hypokalemic periodic paralysis, type 2; Congenital myasthenic syndrome 16; Congenital myopathy 22A, classic; Congenital myopathy 22B, severe fetal. Last evaluated: 2024-06-05. Review status: criteria provided, single submitter. Criteria: ACMG Guidelines, 2015. Collection method: clinical testing. Allele origin: germline.

Mayo Clinic Laboratories, Mayo Clinic
Classification: Pathogenic. Last evaluated: 2024-05-13. Review status: criteria provided, single submitter. Criteria: ACMG Guidelines, 2015. Collection method: clinical testing. Allele origin: germline. Observed: 1 variant allele.
Comment: PP3, PM1, PM2, PM5, PS4

CeGaT Center for Human Genetics Tuebingen
Classification: Pathogenic. Last evaluated: 2023-07-01. Review status: criteria provided, single submitter. Criteria: CeGaT Center For Human Genetics Tuebingen Variant Classification Criteria Version 2. Collection method: clinical testing. Allele origin: germline. Affected: yes. Observed: 5 variant alleles.
Comment: SCN4A: PM2, PM5, PP1:Moderate, PS4:Moderate, PP3, PS3:Supporting

Athena Diagnostics
Classification: Pathogenic. Last evaluated: 2023-05-03. Review status: criteria provided, single submitter. Criteria: Athena Diagnostics Criteria. Collection method: clinical testing. Allele origin: unknown.
Comment: The frequency of this variant in the general population is consistent with pathogenicity. This variant associates with paramyotonia congenita in multiple families, and is reported in multiple other unrelated individuals with non-dystrophic myotonia. At least one other missense variant at this codon is considered to be pathogenic or likely pathogenic. Assessment of experimental evidence suggests this variant results in abnormal protein function. Multiple studies indicate that this variant disrupts normal ion channel properties, resulting in aberrant channel regulation of current and signaling (PMID: 7473241, 16392038).

Blueprint Genetics
Classification: Pathogenic for SCN4A-related disorders. Last evaluated: 2021-12-14. Review status: criteria provided, single submitter. Criteria: ACMG Guidelines, 2015. Collection method: clinical testing. Allele origin: germline. Affected: yes. Observed: 3 variant alleles.

MGZ Medical Genetics Center
Classification: Pathogenic for Paramyotonia congenita of Von Eulenburg. Last evaluated: 2021-10-25. Review status: criteria provided, single submitter. Criteria: ACMG Guidelines, 2015. Collection method: clinical testing. Allele origin: germline. Affected: yes. Observed: 1 variant allele.
Comment: ACMG criteria applied: PS3, PS2_MOD, PS4_MOD, PM1, PM5, PM2_SUP, PP1, PP3

GeneDx
Classification: Pathogenic. Last evaluated: 2021-05-13. Review status: criteria provided, single submitter. Criteria: GeneDx Variant Classification Process June 2021. Collection method: clinical testing. Allele origin: germline. Affected: yes.
Comment: Reported previously as a heterozygous variant in two unrelated families with paramyotonia congenita (McClatchey et al., 1992); Functional studies suggest that G1306V results in slower inactivation of the SCN4A sodium channel (Lerche et al., 1993); Not observed at a significant frequency in large population cohorts (Lek et al., 2016); In silico analysis supports that this missense variant has a deleterious effect on protein structure/function; This variant is associated with the following publications: (PMID: 25525159, 8308722, 1310898, 27415035, 26944947, 18337100, 18337730, 28150151, 26885337, 26080010, 22094069, 20445432, 17823953, 16832098, 8044656, 16392038, 7473241, 32849172, 32660787)

Centre for Mendelian Genomics, University Medical Centre Ljubljana
Classification: Pathogenic for Hyperkalemic periodic paralysis. Last evaluated: 2016-01-01. Review status: criteria provided, single submitter. Criteria: ACMG Guidelines, 2015. Collection method: clinical testing. Allele origin: unknown. Affected: yes.
Comment: This variant was classified as: Pathogenic. The following ACMG criteria were applied in classifying this variant: PS1,PS3,PM2,PP2,PP3.

NM_000334.4(SCN4A):c.3917G>T (p.Gly1306Val)

Genes: GH-LCR (growth hormone locus control region; plus strand), SCN4A (sodium voltage-gated channel alpha subunit 4; minus strand). Cytogenetic location: 17q23.3.
Variant type: single nucleotide variant.
Coding change: c.3917G>T on transcript NM_000334.4 (MANE Select); coding-DNA position 3917, G replaced by T.
Protein change: p.Gly1306Val; replaces glycine 1306 with valine.
Molecular consequence: missense variant.
Genome position (GRCh38, 1-based): chr17:63,943,846, C>A on the plus strand (G>T on the coding strand, the complement: SCN4A is on the minus strand). VCF-style: chr17-63943846-C-A. GRCh37 (hg19) VCF-style: chr17-62021206-C-A.
Other names: short protein forms G1306V.
Identifiers: ClinVar variation 5903 (VCV000005903.72), dbSNP rs80338792, ClinGen allele CA117840.
Genomic context (GRCh38, chr17:63,943,846, plus strand): 5'-AGCTTCTTCATGGCGTTATAGTATTTCTTCTGTTCCTCCGTCATAAAGATGTCTTTCCCC[C>A]CTAAGTATAGTGGGATAGGGCTTGTCAGGTTGAGGTGCAGTTCCCCTTCCTGCCTCCAGG-3'
Protein context (NP_000325.4, residues 1296-1316): DNFNQQKKKL[Gly1306Val]GKDIFMTEEQ